The following is an entry in ClinVar:

NM_000135.4(FANCA):c.2320C>T (p.Pro774Ser)

Gene: FANCA (FA complementation group A; minus strand). Cytogenetic location: 16q24.3.
Variant type: single nucleotide variant.
Coding change: c.2320C>T on transcript NM_000135.4 (MANE Select); coding-DNA position 2320, C replaced by T.
Protein change: p.Pro774Ser; replaces proline 774 with serine.
Molecular consequence: missense variant.
Genome position (GRCh38, 1-based): chr16:89,770,021, G>A on the plus strand (C>T on the coding strand, the complement: FANCA is on the minus strand). VCF-style: chr16-89770021-G-A. GRCh37 (hg19) VCF-style: chr16-89836429-G-A.
Other names: c.2320C>T, p.Pro774Ser (NM_001286167.3); short protein forms P774S.
Identifiers: ClinVar variation 2165834 (VCV002165834.2), dbSNP rs1567618258, ClinGen allele CA397444672.

ClinVar aggregate classification (germline): Uncertain significance. Review status: criteria provided, multiple submitters, no conflicts (2 of 4 stars). 2 submissions from 2 submitters: Uncertain significance (2). Last evaluated 2025-04-14.

Conditions:
Inborn genetic diseases. Identifiers: MedGen C0950123, MeSH D030342.
Fanconi anemia (FA). Also called: Fanconi's anemia. Identifiers: Orphanet 84, MedGen C0015625, MeSH D005199, MONDO:0019391.

Allele frequency attached by ClinVar (database versions not stated): TOPMed below 0.00001.

Submissions (2):

Ambry Genetics
Classification: Uncertain significance for Inborn genetic diseases. Last evaluated: 2025-04-14. Review status: criteria provided, single submitter. Criteria: Ambry Variant Classification Scheme 2023. Collection method: clinical testing. Allele origin: germline.
Comment: The p.P774S variant (also known as c.2320C>T), located in coding exon 26 of the FANCA gene, results from a C to T substitution at nucleotide position 2320. The proline at codon 774 is replaced by serine, an amino acid with similar properties. This amino acid position is conserved. In addition, this alteration is predicted to be tolerated by in silico analysis. Based on the available evidence, the clinical significance of this variant remains unclear.

Labcorp Genetics (formerly Invitae), Labcorp
Classification: Uncertain significance for Fanconi anemia. Last evaluated: 2022-02-24. Review status: criteria provided, single submitter. Criteria: Invitae Variant Classification Sherloc (09022015). Collection method: clinical testing. Allele origin: germline.
Comment: This sequence change replaces proline, which is neutral and non-polar, with serine, which is neutral and polar, at codon 774 of the FANCA protein (p.Pro774Ser). This variant is not present in population databases (gnomAD no frequency). This variant has not been reported in the literature in individuals affected with FANCA-related conditions. Advanced modeling of protein sequence and biophysical properties (such as structural, functional, and spatial information, amino acid conservation, physicochemical variation, residue mobility, and thermodynamic stability) performed at Invitae indicates that this missense variant is not expected to disrupt FANCA protein function. In summary, the available evidence is currently insufficient to determine the role of this variant in disease. Therefore, it has been classified as a Variant of Uncertain Significance.